The following is an entry in ClinVar:

NM_014633.5(CTR9):c.1405G>A (p.Glu469Lys)

Genes: CTR9 (CTR9 homolog, Paf1/RNA polymerase II complex component; plus strand), LOC126861140 (CDK7 strongly-dependent group 2 enhancer GRCh37_chr11:10785333-10786532; plus strand). Cytogenetic location: 11p15.4.
Variant type: single nucleotide variant.
Coding change: c.1405G>A on transcript NM_014633.5 (MANE Select); coding-DNA position 1405, G replaced by A.
Protein change: p.Glu469Lys; replaces glutamic acid 469 with lysine.
Molecular consequence: missense variant.
Genome position (GRCh38, 1-based): chr11:10,764,428, G>A. VCF-style: chr11-10764428-G-A. GRCh37 (hg19) VCF-style: chr11-10785975-G-A.
Other names: c.1405G>A, p.Glu469Lys (NM_001346279.2); short protein forms E469K.
Identifiers: ClinVar variation 1173021 (VCV001173021.2), dbSNP rs2135369472, ClinGen allele CA379667241.

ClinVar aggregate classification (germline): Likely pathogenic (1 of 4 stars; one submission).

Conditions:
CTR9-related neurodevelopmental disorder. Identifiers: MedGen CN378764, MONDO:1040006.

Allele frequency attached by ClinVar (database versions not stated): gnomAD exomes below 0.00001.
gnomAD v4.1: 2 of 1,613,578 alleles (0.00012%); highest among the groups gnomAD compares: Non-Finnish European, 0.00017%; no homozygotes.

Submission:

Centre of Medical Genetics, University of Antwerp
Classification: Likely pathogenic for CTR9-related neurodevelopmental disorder. Last evaluated: 2021-04-01. Review status: criteria provided, single submitter. Criteria: ACMG Guidelines, 2015. Collection method: research. Allele origin: de novo. Affected: yes.
Comment: PS2, PM2, PP3